The following is an entry in ClinVar:

ClinVar aggregate classification (germline): Uncertain significance. Review status: criteria provided, multiple submitters, no conflicts (2 of 4 stars). 2 submissions from 2 submitters: Uncertain significance (2). Last evaluated 2023-03-30.

Conditions:
Hereditary cancer-predisposing syndrome. Also called: Neoplastic Syndromes, Hereditary; Hereditary Cancer Syndrome; Tumor predisposition; Hereditary neoplastic syndrome. Identifiers: Orphanet 140162, MedGen C0027672, MeSH D009386, MONDO:0015356.
Tuberous sclerosis 1 (TSC1). Identifiers: Orphanet 805, MedGen C1854465, MONDO:0008612, OMIM 191100.

Submissions (2):

Ambry Genetics
Classification: Uncertain significance for Hereditary cancer-predisposing syndrome. Last evaluated: 2023-03-30. Review status: criteria provided, single submitter. Criteria: Ambry Variant Classification Scheme 2023. Collection method: clinical testing. Allele origin: germline.
Comment: The p.K121Q variant (also known as c.361A>C), located in coding exon 3 of the TSC1 gene, results from an A to C substitution at nucleotide position 361. The lysine at codon 121 is replaced by glutamine, an amino acid with similar properties. This amino acid position is highly conserved in available vertebrate species. In addition, this alteration is predicted to be deleterious by in silico analysis. Since supporting evidence is limited at this time, the clinical significance of this alteration remains unclear.

Labcorp Genetics (formerly Invitae), Labcorp
Classification: Uncertain significance for Tuberous sclerosis 1. Last evaluated: 2022-06-18. Review status: criteria provided, single submitter. Criteria: Invitae Variant Classification Sherloc (09022015). Collection method: clinical testing. Allele origin: germline.
Comment: In summary, the available evidence is currently insufficient to determine the role of this variant in disease. Therefore, it has been classified as a Variant of Uncertain Significance. Algorithms developed to predict the effect of sequence changes on RNA splicing suggest that this variant may create or strengthen a splice site. Algorithms developed to predict the effect of missense changes on protein structure and function are either unavailable or do not agree on the potential impact of this missense change (SIFT: "Tolerated"; PolyPhen-2: "Probably Damaging"; Align-GVGD: "Class C0"). This variant has not been reported in the literature in individuals affected with TSC1-related conditions. This variant is not present in population databases (gnomAD no frequency). This sequence change replaces lysine, which is basic and polar, with glutamine, which is neutral and polar, at codon 121 of the TSC1 protein (p.Lys121Gln).

NM_000368.5(TSC1):c.361A>C (p.Lys121Gln)

Gene: TSC1 (TSC complex subunit 1; minus strand). Cytogenetic location: 9q34.13.
Variant type: single nucleotide variant.
Coding change: c.361A>C on transcript NM_000368.5 (MANE Select); coding-DNA position 361, A replaced by C.
Protein change: p.Lys121Gln; replaces lysine 121 with glutamine.
Molecular consequence: missense variant. On other transcripts: 5 prime UTR variant (1), intron variant (1).
Genome position (GRCh38, 1-based): chr9:132,925,589, T>G on the plus strand (A>C on the coding strand, the complement: TSC1 is on the minus strand). VCF-style: chr9-132925589-T-G. GRCh37 (hg19) VCF-style: chr9-135800976-T-G.
Other names: c.361A>C (NM_000368.4); c.361A>C, p.Lys121Gln (NM_001162426.2); c.-3A>C (NM_001362177.2); c.210+1612A>C (NM_001162427.2); short protein forms K121Q.
Identifiers: ClinVar variation 1510068 (VCV001510068.7), dbSNP rs1846807332, ClinGen allele CA375374293.